The following is an entry in ClinVar:

NM_012293.3(PXDN):c.4088G>A (p.Gly1363Glu)

Gene: PXDN (peroxidasin; minus strand). Cytogenetic location: 2p25.3.
Variant type: single nucleotide variant.
Coding change: c.4088G>A on transcript NM_012293.3 (MANE Select); coding-DNA position 4088, G replaced by A.
Protein change: p.Gly1363Glu; replaces glycine 1363 with glutamic acid.
Molecular consequence: missense variant.
Genome position (GRCh38, 1-based): chr2:1,638,964, C>T on the plus strand (G>A on the coding strand, the complement: PXDN is on the minus strand). VCF-style: chr2-1638964-C-T. GRCh37 (hg19) VCF-style: chr2-1642736-C-T.
Other names: short protein forms G1363E.
Identifiers: ClinVar variation 260230 (VCV000260230.18), dbSNP rs61747868, ClinGen allele CA1512512.

ClinVar aggregate classification (germline): Benign/Likely benign. Review status: criteria provided, multiple submitters, no conflicts (2 of 4 stars). 5 submissions from 5 submitters: Benign (2); Likely benign (1). 2 of the submissions do not count toward it. Last evaluated 2025-12-23.

Conditions:
Anterior segment dysgenesis 7 (ASGD7). Also called: Anterior segment dysgenesis 7, with sclerocornea; SCLEROCORNEA WITH OTHER OCULAR ANOMALIES. Identifiers: Orphanet 289499, MedGen C3151617, MONDO:0010015, OMIM 269400.

Allele frequency attached by ClinVar (database versions not stated): gnomAD exomes 0.00096 and 0.00215; ExAC 0.00270; gnomAD 0.00737 and 0.00788; ESP Exome Variant Server 0.00792; TOPMed 0.00836; 1000 Genomes Project 0.00978; 1000 Genomes Project 30x 0.01031.
gnomAD v4.1: 2,656 of 1,613,980 alleles (0.16%); highest among the groups gnomAD compares: African/African-American, 2.6%; 29 homozygotes.

Submissions (5):

Labcorp Genetics (formerly Invitae), Labcorp
Classification: Benign for Anterior segment dysgenesis 7. Last evaluated: 2025-12-23. Review status: criteria provided, single submitter. Criteria: Invitae Variant Classification Sherloc (09022015). Collection method: clinical testing. Allele origin: germline.

GeneDx
Classification: Likely benign. Last evaluated: 2023-04-14. Review status: criteria provided, single submitter. Criteria: GeneDx Variant Classification Process June 2021. Collection method: clinical testing. Allele origin: germline. Affected: yes.
Comment: See Variant Classification Assertion Criteria.

PreventionGenetics, part of Exact Sciences
Classification: Benign. Review status: criteria provided, single submitter. Criteria: ACMG Guidelines, 2015. Collection method: clinical testing. Allele origin: germline.

Clinical Genetics, Academic Medical Center
Classification: Benign. Review status: no assertion criteria provided. Collection method: clinical testing. Allele origin: germline. Affected: yes. Study: VKGL Data-share Consensus. Not counted in ClinVar's aggregate classification.

Laboratory of Diagnostic Genome Analysis, Leiden University Medical Center (LUMC)
Classification: Likely benign. Review status: no assertion criteria provided. Collection method: clinical testing. Allele origin: germline. Affected: yes. Study: VKGL Data-share Consensus. Not counted in ClinVar's aggregate classification.